The following is an entry in ClinVar:

NM_206933.4(USH2A):c.7061G>A (p.Arg2354His)

Gene: USH2A (usherin; minus strand). Cytogenetic location: 1q41.
Variant type: single nucleotide variant.
Coding change: c.7061G>A on transcript NM_206933.4 (MANE Select); coding-DNA position 7061, G replaced by A.
Protein change: p.Arg2354His; replaces arginine 2354 with histidine.
Molecular consequence: missense variant.
Genome position (GRCh38, 1-based): chr1:215,965,376, C>T on the plus strand (G>A on the coding strand, the complement: USH2A is on the minus strand). VCF-style: chr1-215965376-C-T. GRCh37 (hg19) VCF-style: chr1-216138718-C-T.
Other names: short protein forms R2354H.
Identifiers: ClinVar variation 552369 (VCV000552369.13), dbSNP rs201386640, ClinGen allele CA1394956.

ClinVar aggregate classification (germline): Uncertain significance. Review status: criteria provided, multiple submitters, no conflicts (2 of 4 stars). 11 submissions from 10 submitters: Uncertain significance (9). 2 of the submissions do not count toward it. Last evaluated 2024-05-16.

Conditions:
Usher syndrome type 2A. Also called: RETINAL DISEASE IN USHER SYNDROME TYPE IIA, MODIFIER OF; USHER SYNDROME, TYPE IIA. Identifiers: Orphanet 231178, Orphanet 886, MedGen C1848634, MONDO:0010169, OMIM 276901.
Retinitis pigmentosa 39 (RP39). Identifiers: Orphanet 791, MedGen C3151138, MONDO:0013436, OMIM 613809.
Leber congenital amaurosis (LCA). Also called: Leber's amaurosis. Identifiers: Orphanet 65, MedGen C0339527, MeSH D057130, MONDO:0018998.

Allele frequency attached by ClinVar (database versions not stated): TOPMed 0.00005; gnomAD exomes 0.00006; gnomAD 0.00007 and 0.00008; 1000 Genomes Project 0.00020; 1000 Genomes Project 30x 0.00031.
gnomAD v4.1: 97 of 1,613,808 alleles (0.006%); highest among the groups gnomAD compares: Admixed American, 0.013%; no homozygotes.

Submissions (11):

GeneDx
Classification: Uncertain significance. Last evaluated: 2024-05-16. Review status: criteria provided, single submitter. Criteria: GeneDx Variant Classification Process June 2021. Collection method: clinical testing. Allele origin: germline. Affected: yes.
Comment: In silico analysis indicates that this missense variant does not alter protein structure/function; Identified in a patient with hearing loss, night blindness, and reduced vision who as also heterozygous, phase unknown, for two lpath/path variants in the USH2A gene in published literature (PMID: 17085681); Identified in a patient with Leber congenital amaurosis who is homozygous for a variant in the RPE65 gene and heterozygous for a second variant in the USH2A gene (phase unknown) in published literature (PMID: 30870047); This variant is associated with the following publications: (PMID: 17085681, 30870047)

Blueprint Genetics
Classification: Uncertain significance. Last evaluated: 2023-12-15. Review status: criteria provided, single submitter. Criteria: ACMG Guidelines, 2015. Collection method: clinical testing. Allele origin: germline.

Baylor Genetics
Classification: Uncertain significance for Retinitis pigmentosa 39. Last evaluated: 2023-11-07. Review status: criteria provided, single submitter. Criteria: ACMG Guidelines, 2015. Collection method: clinical testing. Allele origin: unknown.

Genome-Nilou Lab
Classification: Uncertain significance for Retinitis pigmentosa 39. Last evaluated: 2023-11-04. Review status: criteria provided, single submitter. Criteria: ACMG Guidelines, 2015. Collection method: clinical testing. Allele origin: germline. Affected: no.

Genome-Nilou Lab
Classification: Uncertain significance for Usher syndrome type 2A. Last evaluated: 2023-11-04. Review status: criteria provided, single submitter. Criteria: ACMG Guidelines, 2015. Collection method: clinical testing. Allele origin: germline. Affected: no.

Labcorp Genetics (formerly Invitae), Labcorp
Classification: Uncertain significance. Last evaluated: 2022-06-27. Review status: criteria provided, single submitter. Criteria: Invitae Variant Classification Sherloc (09022015). Collection method: clinical testing. Allele origin: germline.
Comment: This sequence change replaces arginine, which is basic and polar, with histidine, which is basic and polar, at codon 2354 of the USH2A protein (p.Arg2354His). This variant is present in population databases (rs201386640, gnomAD 0.01%). This missense change has been observed in individual(s) with clinical features of Usher syndrome (PMID: 17085681). ClinVar contains an entry for this variant (Variation ID: 552369). Algorithms developed to predict the effect of missense changes on protein structure and function output the following: SIFT: "Tolerated"; PolyPhen-2: "Benign"; Align-GVGD: "Class C0". The histidine amino acid residue is found in multiple mammalian species, which suggests that this missense change does not adversely affect protein function. In summary, the available evidence is currently insufficient to determine the role of this variant in disease. Therefore, it has been classified as a Variant of Uncertain Significance.

Women's Health and Genetics/Laboratory Corporation of America, LabCorp
Classification: Uncertain significance. Last evaluated: 2021-12-08. Review status: criteria provided, single submitter. Criteria: LabCorp Variant Classification Summary - May 2015. Collection method: clinical testing. Allele origin: germline.
Comment: Variant summary: USH2A c.7061G>A (p.Arg2354His) results in a conservative amino acid change located in the Fibronectin type III domain (IPR003961) of the encoded protein sequence. Four of five in-silico tools predict a benign effect of the variant on protein function. The variant allele was found at a frequency of 6.4e-05 in 251280 control chromosomes. This frequency is not significantly higher than expected for a pathogenic variant in USH2A causing Usher Syndrome (6.4e-05 vs 0.011), allowing no conclusion about variant significance. c.7061G>A has been reported in the literature in individuals affected with Usher Syndrome and other conditions with vision and hearing loss (example: Aller_2006, Glen_2019), but these data do not allow any conclusion about variant significance. Co-occurrences with other pathogenic variants have been reported (RPE65 c.1338G>T, p.Arg446Ser), providing supporting evidence for a benign role. To our knowledge, no experimental evidence demonstrating an impact on protein function has been reported. Three ClinVar submitters have assessed this variant since 2014, where all submitters have classified the variant as of uncertain significance. Based on the evidence outlined above, the variant was classified as uncertain significance.

Cytogenetics and Genomics Laboratory, Medical University of South Carolina
Classification: Uncertain significance for Leber congenital amaurosis. Last evaluated: 2018-06-01. Review status: criteria provided, single submitter. Criteria: ACMG Guidelines, 2015. Collection method: research. Allele origin: unknown. Affected: yes. Observed: 1 variant allele.

Breakthrough Genomics
Classification: Uncertain significance. Review status: criteria provided, single submitter. Criteria: ACMG Guidelines, 2015. Collection method: not provided. Allele origin: germline. Inheritance: Autosomal recessive inheritance. Affected: yes.

Natera, Inc.
Classification: Uncertain significance for Usher syndrome type 2A. Last evaluated: 2020-01-11. Review status: no assertion criteria provided. Collection method: clinical testing. Allele origin: germline. Not counted in ClinVar's aggregate classification.

Counsyl
Classification: Uncertain significance for Usher syndrome type 2A; Retinitis pigmentosa 39. Last evaluated: 2017-06-08. Review status: no assertion criteria provided. Collection method: clinical testing. Allele origin: unknown. Not counted in ClinVar's aggregate classification.

Literature cited by the submitters: PubMed 17085681 (cited by 3 submitters); PubMed 30870047 (cited by Women's Health and Genetics/Laboratory Corporation of America, LabCorp).